The following is an entry in ClinVar:

NM_001297.5(CNGB1):c.2353A>T (p.Lys785Ter)

Gene: CNGB1 (cyclic nucleotide gated channel subunit beta 1; minus strand). Cytogenetic location: 16q21.
Variant type: single nucleotide variant.
Coding change: c.2353A>T on transcript NM_001297.5 (MANE Select); coding-DNA position 2353, A replaced by T.
Protein change: p.Lys785Ter; replaces lysine 785 with a stop codon.
Molecular consequence: nonsense.
Genome position (GRCh38, 1-based): chr16:57,912,946, T>A on the plus strand (A>T on the coding strand, the complement: CNGB1 is on the minus strand). VCF-style: chr16-57912946-T-A. GRCh37 (hg19) VCF-style: chr16-57946850-T-A.
Other names: c.2335A>T, p.Lys779Ter (NM_001286130.2); short protein forms K779*, K785*.
Identifiers: ClinVar variation 2876463 (VCV002876463.3), dbSNP rs2544628814, ClinGen allele CA396061507.

ClinVar aggregate classification (germline): Pathogenic (1 of 4 stars; one submission).

Allele frequency attached by ClinVar (database versions not stated): gnomAD exomes below 0.00001.
gnomAD v4.1: 1 of 1,613,982 alleles (0.000062%); highest among the groups gnomAD compares: Admixed American, 0.0017%; no homozygotes.

Submission:

Labcorp Genetics (formerly Invitae), Labcorp
Classification: Pathogenic. Last evaluated: 2023-09-30. Review status: criteria provided, single submitter. Criteria: Invitae Variant Classification Sherloc (09022015). Collection method: clinical testing. Allele origin: germline.
Comment: For these reasons, this variant has been classified as Pathogenic. Algorithms developed to predict the effect of sequence changes on RNA splicing suggest that this variant may disrupt the consensus splice site. This premature translational stop signal has been observed in individual(s) with rod-cone dystrophy (PMID: 33847019). This variant is not present in population databases (gnomAD no frequency). This sequence change creates a premature translational stop signal (p.Lys785*) in the CNGB1 gene. It is expected to result in an absent or disrupted protein product. Loss-of-function variants in CNGB1 are known to be pathogenic (PMID: 15557452, 24043777).

Literature cited by the submitters: PubMed 33847019; PubMed 15557452; PubMed 24043777.